The following is an entry in ClinVar:

ClinVar aggregate classification (germline): Benign/Likely benign. Review status: criteria provided, multiple submitters, no conflicts (2 of 4 stars). 2 submissions from 2 submitters: Benign (1); Likely benign (1). Last evaluated 2026-02-01.

Conditions:
Severe combined immunodeficiency due to DNA-PKcs deficiency. Also called: IMMUNODEFICIENCY 26 WITH NEUROLOGIC ABNORMALITIES; Immunodeficiency 26 with or without neurologic abnormalities. Identifiers: Orphanet 317425, MedGen C4014833, MONDO:0014423, OMIM 615966.

Submissions (2):

Labcorp Genetics (formerly Invitae), Labcorp
Classification: Benign for Severe combined immunodeficiency due to DNA-PKcs deficiency. Last evaluated: 2026-02-01. Review status: criteria provided, single submitter. Criteria: Invitae Variant Classification Sherloc (09022015). Collection method: clinical testing. Allele origin: germline.

GeneDx
Classification: Likely benign. Last evaluated: 2017-09-01. Review status: criteria provided, single submitter. Criteria: GeneDx Variant Classification (06012015). Collection method: clinical testing. Allele origin: germline. Affected: yes.
Comment: This variant is considered likely benign or benign based on one or more of the following criteria: it is a conservative change, it occurs at a poorly conserved position in the protein, it is predicted to be benign by multiple in silico algorithms, and/or has population frequency not consistent with disease.

NM_006904.7(PRKDC):c.9923-17dup

Gene: PRKDC (protein kinase, DNA-activated, catalytic subunit; minus strand). Cytogenetic location: 8q11.21.
Variant type: Duplication.
Coding change: c.9923-17dup on transcript NM_006904.7 (MANE Select); 17 bases into the intron before coding-DNA position 9923, one base duplicated (T; older notation c.9923-17dupT).
Molecular consequence: intron variant.
Genome position (GRCh38, 1-based): chr8:47,800,997, A duplicated on the plus strand (T on the coding strand, the reverse complement: PRKDC is on the minus strand); the first of 7 consecutive A bases (chr8:47,800,997-47,801,003); duplicating any one gives the same sequence. VCF-style (leftmost placement, unchanged base first): chr8-47800996-T-TA. GRCh37 (hg19) VCF-style: chr8-48713557-T-TA.
Other names: c.9923-17dup (NM_001081640.2); c.9923-11dupT (NM_006904.6).
Identifiers: ClinVar variation 506622 (VCV000506622.8), dbSNP rs573568510, ClinGen allele CA4739436.